The following is an entry in ClinVar:

ClinVar aggregate classification (germline): Uncertain significance (1 of 4 stars; one submission).

Conditions:
Alstrom syndrome (ALMS). Identifiers: Orphanet 64, MedGen C0268425, MONDO:0008763, OMIM 203800.

Allele frequency attached by ClinVar (database versions not stated): ExAC 0.00001; gnomAD 0.00001; gnomAD exomes 0.00001 and 0.00002; TOPMed 0.00001.
gnomAD v4.1: 8 of 1,614,044 alleles (0.0005%); highest among the groups gnomAD compares: Admixed American, 0.012%; no homozygotes.

Submission:

Labcorp Genetics (formerly Invitae), Labcorp
Classification: Uncertain significance for Alstrom syndrome. Last evaluated: 2022-08-14. Review status: criteria provided, single submitter. Criteria: Invitae Variant Classification Sherloc (09022015). Collection method: clinical testing. Allele origin: germline.
Comment: This sequence change replaces alanine, which is neutral and non-polar, with threonine, which is neutral and polar, at codon 2897 of the ALMS1 protein (p.Ala2897Thr). This variant is present in population databases (rs779240181, gnomAD 0.02%). This variant has not been reported in the literature in individuals affected with ALMS1-related conditions. ClinVar contains an entry for this variant (Variation ID: 1434208). Experimental studies and prediction algorithms are not available or were not evaluated, and the functional significance of this variant is currently unknown. In summary, the available evidence is currently insufficient to determine the role of this variant in disease. Therefore, it has been classified as a Variant of Uncertain Significance.

NM_001378454.1(ALMS1):c.8686G>A (p.Ala2896Thr)

Gene: ALMS1 (ALMS1 centrosome and basal body associated protein; plus strand). Cytogenetic location: 2p13.1.
Variant type: single nucleotide variant.
Coding change: c.8686G>A on transcript NM_001378454.1 (MANE Select); coding-DNA position 8686, G replaced by A.
Protein change: p.Ala2896Thr; replaces alanine 2896 with threonine.
Molecular consequence: missense variant.
Genome position (GRCh38, 1-based): chr2:73,490,645, G>A. VCF-style: chr2-73490645-G-A. GRCh37 (hg19) VCF-style: chr2-73717772-G-A.
Other names: c.8689G>A, p.Ala2897Thr (NM_015120.4); short protein forms A2896T, A2897T.
Identifiers: ClinVar variation 1434208 (VCV001434208.3), dbSNP rs779240181, ClinGen allele CA1714521.